The following is an entry in ClinVar:

ClinVar aggregate classification (germline): Uncertain significance (1 of 4 stars; one submission).

Submission:

Labcorp Genetics (formerly Invitae), Labcorp
Classification: Uncertain significance. Last evaluated: 2022-07-17. Review status: criteria provided, single submitter. Criteria: Invitae Variant Classification Sherloc (09022015). Collection method: clinical testing. Allele origin: germline.
Comment: This variant has not been reported in the literature in individuals affected with RP1-related conditions. This variant is not present in population databases (gnomAD no frequency). This sequence change replaces serine, which is neutral and polar, with arginine, which is basic and polar, at codon 1511 of the RP1 protein (p.Ser1511Arg). In summary, the available evidence is currently insufficient to determine the role of this variant in disease. Therefore, it has been classified as a Variant of Uncertain Significance. Algorithms developed to predict the effect of missense changes on protein structure and function output the following: SIFT: "Tolerated"; PolyPhen-2: "Benign"; Align-GVGD: "Class C0". The arginine amino acid residue is found in multiple mammalian species, which suggests that this missense change does not adversely affect protein function.

NM_006269.2(RP1):c.4533T>G (p.Ser1511Arg)

Gene: RP1 (RP1 axonemal microtubule associated; plus strand). Cytogenetic location: 8q12.1.
Variant type: single nucleotide variant.
Coding change: c.4533T>G on transcript NM_006269.2 (MANE Select); coding-DNA position 4533, T replaced by G.
Protein change: p.Ser1511Arg; replaces serine 1511 with arginine.
Molecular consequence: missense variant. On other transcripts: intron variant (1).
Genome position (GRCh38, 1-based): chr8:54,628,415, T>G. VCF-style: chr8-54628415-T-G. GRCh37 (hg19) VCF-style: chr8-55540975-T-G.
Other names: c.787+6127T>G (NM_001375654.1); short protein forms S1511R.
Identifiers: ClinVar variation 1717356 (VCV001717356.5), dbSNP rs2536584928, ClinGen allele CA370982611.